The following is an entry in ClinVar:

ClinVar aggregate classification (germline): Uncertain significance (1 of 4 stars; one submission).

Allele frequency attached by ClinVar (database versions not stated): TOPMed 0.00002.
gnomAD v4.1: 32 of 1,612,938 alleles (0.002%); highest among the groups gnomAD compares: South Asian, 0.012%; no homozygotes.

Submission:

Labcorp Genetics (formerly Invitae), Labcorp
Classification: Uncertain significance. Last evaluated: 2022-07-15. Review status: criteria provided, single submitter. Criteria: Invitae Variant Classification Sherloc (09022015). Collection method: clinical testing. Allele origin: germline.
Comment: This sequence change replaces arginine, which is basic and polar, with tryptophan, which is neutral and slightly polar, at codon 787 of the IARS2 protein (p.Arg787Trp). In summary, the available evidence is currently insufficient to determine the role of this variant in disease. Therefore, it has been classified as a Variant of Uncertain Significance. Algorithms developed to predict the effect of missense changes on protein structure and function are either unavailable or do not agree on the potential impact of this missense change (SIFT: "Deleterious"; PolyPhen-2: "Possibly Damaging"; Align-GVGD: "Class C0"). This variant has not been reported in the literature in individuals affected with IARS2-related conditions. This variant is present in population databases (rs759848681, gnomAD 0.01%).

NM_018060.4(IARS2):c.2359C>T (p.Arg787Trp)

Gene: IARS2 (isoleucyl-tRNA synthetase 2, mitochondrial; plus strand). Cytogenetic location: 1q41.
Variant type: single nucleotide variant.
Coding change: c.2359C>T on transcript NM_018060.4 (MANE Select); coding-DNA position 2359, C replaced by T.
Protein change: p.Arg787Trp; replaces arginine 787 with tryptophan.
Molecular consequence: missense variant.
Genome position (GRCh38, 1-based): chr1:220,140,234, C>T. VCF-style: chr1-220140234-C-T. GRCh37 (hg19) VCF-style: chr1-220313576-C-T.
Other names: short protein forms R787W.
Identifiers: ClinVar variation 2045836 (VCV002045836.2), dbSNP rs759848681, ClinGen allele CA1401752.
Genomic context (GRCh38, chr1:220,140,234, plus strand): 5'-GTTCCCTAGATTACCGAATTATACAAACAATATGATTTTGGAAAAGTTGTTCGGCTGTTA[C>T]GGACGTTTTATACCAGAGAGCTCTCTAACTTTTATTTCAGTATAATCAAAGATAGGTATG-3'
Protein context (NP_060530.3, residues 777-797): YDFGKVVRLL[Arg787Trp]TFYTRELSNF